The following is an entry in ClinVar:

NM_005585.5(SMAD6):c.1108C>T (p.Gln370Ter)

Gene: SMAD6 (SMAD family member 6; plus strand). Cytogenetic location: 15q22.31.
Variant type: single nucleotide variant.
Coding change: c.1108C>T on transcript NM_005585.5 (MANE Select); coding-DNA position 1108, C replaced by T.
Protein change: p.Gln370Ter; replaces glutamine 370 with a stop codon.
Molecular consequence: nonsense. On other transcripts: non-coding transcript variant (1).
Genome position (GRCh38, 1-based): chr15:66,781,152, C>T. VCF-style: chr15-66781152-C-T. GRCh37 (hg19) VCF-style: chr15-67073490-C-T.
Other names: short protein forms Q370*.
Identifiers: ClinVar variation 1176995 (VCV001176995.37), dbSNP rs2140681546, ClinGen allele CA393201878.

ClinVar aggregate classification (germline): Likely pathogenic. Review status: criteria provided, multiple submitters, no conflicts (2 of 4 stars). 3 submissions from 3 submitters: Likely pathogenic (3). Last evaluated 2025-10-06.

Conditions:
Radioulnar synostosis, nonsyndromic, susceptibility to. Identifiers: MedGen C5241445, MONDO:0100183, OMIM 179300.
Autosomal dominant SMAD6-related disorders.

Submissions (3):

Variantyx, Inc.
Classification: Likely pathogenic for Autosomal dominant SMAD6-related disorders. Last evaluated: 2025-10-06. Review status: criteria provided, single submitter. Criteria: Variantyx Assertion Criteria 2022. Collection method: clinical testing. Allele origin: germline. Inheritance: Autosomal dominant inheritance. Affected: yes.
Comment: This is a nonsense variant in the SMAD6 gene (OMIM: 602931). Pathogenic variants in this gene have been associated with autosomal dominant SMAD6-related disorders. This variant introduces a premature termination codon in exon 4 out of 4 and is expected to result in loss of function through protein truncation and ablation of the MH2 domain, which is a known disease mechanism for SMAD6 in these disorders (PMID: 36414630) (PVS1). This variant is absent from control populations (PM2) and it has not been reported in individuals with SMAD6-related disorders in the databases available for review. Based on the current evidence, this variant is classified as likely pathogenic for autosomal dominant SMAD6-related disorders.

Genomic Medicine Center of Excellence, King Faisal Specialist Hospital and Research Centre
Classification: Likely pathogenic for Radioulnar synostosis, nonsyndromic, susceptibility to. Last evaluated: 2024-12-19. Review status: criteria provided, single submitter. Criteria: ACMG Guidelines, 2015. Collection method: clinical testing. Allele origin: germline.

CeGaT Center for Human Genetics Tuebingen
Classification: Likely pathogenic. Last evaluated: 2021-05-01. Review status: criteria provided, single submitter. Criteria: CeGaT Center For Human Genetics Tuebingen Variant Classification Criteria Version 2. Collection method: clinical testing. Allele origin: germline. Affected: yes. Observed: 1 variant allele.

Literature cited by the submitters: PubMed 36414630 (cited by Variantyx, Inc.).